The following is an entry in ClinVar:

ClinVar aggregate classification (germline): Pathogenic (1 of 4 stars; one submission).

Submission:

Labcorp Genetics (formerly Invitae), Labcorp
Classification: Pathogenic. Last evaluated: 2023-11-10. Review status: criteria provided, single submitter. Criteria: Invitae Variant Classification Sherloc (09022015). Collection method: clinical testing. Allele origin: germline.
Comment: This sequence change creates a premature translational stop signal (p.Ser295Leufs*46) in the ESCO2 gene. It is expected to result in an absent or disrupted protein product. Loss-of-function variants in ESCO2 are known to be pathogenic (PMID: 15821733, 16380922). This variant is not present in population databases (gnomAD no frequency). This variant has not been reported in the literature in individuals affected with ESCO2-related conditions. For these reasons, this variant has been classified as Pathogenic.

Literature cited by the submitters: PubMed 15821733; PubMed 16380922.

NM_001017420.3(ESCO2):c.883del (p.Ser295fs)

Gene: ESCO2 (establishment of sister chromatid cohesion N-acetyltransferase 2; plus strand). Cytogenetic location: 8p21.1.
Variant type: Deletion.
Coding change: c.883del on transcript NM_001017420.3 (MANE Select); coding-DNA position 883, one base deleted (T; older notation c.883delT).
Protein change: p.Ser295fs; shifts the reading frame from serine 295.
Molecular consequence: frameshift variant.
Genome position (GRCh38, 1-based): chr8:27,780,195, T deleted; the last of 3 consecutive T bases (chr8:27,780,193-27,780,195); deleting any one gives the same sequence. VCF-style (leftmost placement, unchanged base first): chr8-27780192-GT-G. GRCh37 (hg19) VCF-style: chr8-27637709-GT-G.
Other names: short protein forms S295fs.
Identifiers: ClinVar variation 2694718 (VCV002694718.3), dbSNP rs2486637207, ClinGen allele CA2697549790.